The following is an entry in ClinVar:

NM_001371986.1(UNC80):c.4187_4188delinsAT (p.Gly1396Asp)

Gene: UNC80 (unc-80 homolog, NALCN channel complex subunit; plus strand). Cytogenetic location: 2q34.
Variant type: Indel.
Coding change: c.4187_4188delinsAT on transcript NM_001371986.1 (MANE Select); coding-DNA positions 4187 to 4188, GG replaced by AT.
Protein change: p.Gly1396Asp; replaces glycine 1396 with aspartic acid.
Molecular consequence: missense variant.
Genome position (GRCh38, 1-based): chr2:209,888,171-209,888,172, GG replaced by AT. VCF-style: chr2-209888171-GG-AT. GRCh37 (hg19) VCF-style: chr2-210752895-GG-AT.
Other names: c.4193_4194delinsAT, p.Gly1398Asp (NM_032504.2); c.4178_4179delinsAT, p.Gly1393Asp (NM_182587.4); short protein forms G1396D, G1393D, G1398D.
Identifiers: ClinVar variation 1360664 (VCV001360664.4), dbSNP rs2124907353, ClinGen allele CA2573135251.

ClinVar aggregate classification (germline): Uncertain significance (1 of 4 stars; one submission).

Submission:

Labcorp Genetics (formerly Invitae), Labcorp
Classification: Uncertain significance. Last evaluated: 2024-04-17. Review status: criteria provided, single submitter. Criteria: Invitae Variant Classification Sherloc (09022015). Collection method: clinical testing. Allele origin: germline.
Comment: This sequence change replaces glycine, which is neutral and non-polar, with aspartic acid, which is acidic and polar, at codon 1398 of the UNC80 protein (p.Gly1398Asp). This variant is present in population databases (no rsID available, gnomAD 0.003%). This variant has not been reported in the literature in individuals affected with UNC80-related conditions. ClinVar contains an entry for this variant (Variation ID: 1360664). An algorithm developed to predict the effect of missense changes on protein structure and function (PolyPhen-2) suggests that this variant is likely to be disruptive. In summary, the available evidence is currently insufficient to determine the role of this variant in disease. Therefore, it has been classified as a Variant of Uncertain Significance.